The following is an entry in ClinVar:

NM_000554.6(CRX):c.279A>T (p.Lys93Asn)

Gene: CRX (cone-rod homeobox; plus strand). Cytogenetic location: 19q13.33.
Variant type: single nucleotide variant.
Coding change: c.279A>T on transcript NM_000554.6 (MANE Select); coding-DNA position 279, A replaced by T.
Protein change: p.Lys93Asn; replaces lysine 93 with asparagine.
Molecular consequence: missense variant.
Genome position (GRCh38, 1-based): chr19:47,839,346, A>T. VCF-style: chr19-47839346-A-T. GRCh37 (hg19) VCF-style: chr19-48342603-A-T.
Other names: short protein forms K93N.
Identifiers: ClinVar variation 3749399 (VCV003749399.2).

ClinVar aggregate classification (germline): Uncertain significance (1 of 4 stars; one submission).

Conditions:
Leber congenital amaurosis 7 (LCA7). Identifiers: Orphanet 65, MedGen C3151192, MONDO:0013449, OMIM 613829.
Cone-rod dystrophy 2 (CORD2). Also called: CONE-ROD RETINAL DYSTROPHY; Cone-rod retinal dystrophy 2. Identifiers: Orphanet 1872, MedGen C3489532, MONDO:0007362, OMIM 120970.

Submission:

Labcorp Genetics (formerly Invitae), Labcorp
Classification: Uncertain significance for Cone-rod dystrophy 2; Leber congenital amaurosis 7. Last evaluated: 2024-11-19. Review status: criteria provided, single submitter. Criteria: Invitae Variant Classification Sherloc (09022015). Collection method: clinical testing. Allele origin: germline.
Comment: This sequence change replaces lysine, which is basic and polar, with asparagine, which is neutral and polar, at codon 93 of the CRX protein (p.Lys93Asn). This variant is not present in population databases (gnomAD no frequency). This variant has not been reported in the literature in individuals affected with CRX-related conditions. Invitae Evidence Modeling of protein sequence and biophysical properties (such as structural, functional, and spatial information, amino acid conservation, physicochemical variation, residue mobility, and thermodynamic stability) indicates that this missense variant is expected to disrupt CRX protein function with a positive predictive value of 95%. In summary, the available evidence is currently insufficient to determine the role of this variant in disease. Therefore, it has been classified as a Variant of Uncertain Significance.